The following is an entry in ClinVar:

NM_000094.4(COL7A1):c.7787del (p.Gly2596fs)

Gene: COL7A1 (collagen type VII alpha 1 chain; minus strand). Cytogenetic location: 3p21.31.
Variant type: Deletion.
Coding change: c.7787del on transcript NM_000094.4 (MANE Select); coding-DNA position 7787, one base deleted (G; older notation c.7787delG).
Protein change: p.Gly2596fs; shifts the reading frame from glycine 2596.
Molecular consequence: frameshift variant.
Genome position (GRCh38, 1-based): chr3:48,568,506, C deleted on the plus strand (G on the coding strand, the reverse complement: COL7A1 is on the minus strand); the first of 2 consecutive C bases (chr3:48,568,506-48,568,507); deleting either gives the same sequence. VCF-style (leftmost placement, unchanged base first): chr3-48568505-AC-A. GRCh37 (hg19) VCF-style: chr3-48605938-AC-A.
Other names: c.7787delG (NM_000094.3); short protein forms G2596fs.
Identifiers: ClinVar variation 17441 (VCV000017441.22), dbSNP rs759990189, ClinGen allele CA2378318.

ClinVar aggregate classification (germline): Pathogenic. Review status: criteria provided, multiple submitters, no conflicts (2 of 4 stars). 7 submissions from 7 submitters: Pathogenic (6). 1 of the submissions does not count toward it. Last evaluated 2025-09-10.

Conditions:
COL7A1-related disorder. Also called: COL7A1-related condition; COL7A1- related disorders.
Recessive dystrophic epidermolysis bullosa (RDEB). Also called: severe generalized recessive dystrophic epidermolysis bullosa; EPIDERMOLYSIS BULLOSA DYSTROPHICA, GENERALIZED SEVERE, AUTOSOMAL RECESSIVE; DYSTROPHIC EPIDERMOLYSIS BULLOSA, AUTOSOMAL RECESSIVE; Recessive DEB (RDEB); Epidermolysis Bullosa Distrophica Autosomal Recessive (RDEB); EPIDERMOLYSIS BULLOSA DYSTROPHICA, HALLOPEAU-SIEMENS TYPE. Identifiers: Orphanet 79408, Orphanet 79409, MedGen C0079474, MONDO:0009179, OMIM 226600.
Generalized dominant dystrophic epidermolysis bullosa (DDEB). Also called: Dominant DEB (DDEB); DDEB, generalized; DDEB-gen; DYSTROPHIC EPIDERMOLYSIS BULLOSA, AUTOSOMAL DOMINANT; Epidermolysis bullosa dystrophica, autosomal dominant. Identifiers: Orphanet 231568, MedGen C0432322, MONDO:0007549, OMIM 131750.
Nonsyndromic congenital nail disorder 8. Also called: TOENAIL DYSTROPHY, ISOLATED. Identifiers: MedGen C1843761, MONDO:0011852, OMIM 607523.
Pretibial dystrophic epidermolysis bullosa. Also called: EPIDERMOLYSIS BULLOSA DYSTROPHICA, PRETIBIAL; Pretibial blistering; Pretibial epidermolysis bullosa. Identifiers: Orphanet 79410, MedGen C0432321, MONDO:0007552, OMIM 131850, HP:0012221.
Epidermolysis bullosa pruriginosa. Also called: DEB, PRURIGINOSA; DYSTROPHIC EPIDERMOLYSIS BULLOSA PRURIGINOSA. Identifiers: Orphanet 89843, MedGen C1275114, MONDO:0011398, OMIM 604129.
Transient bullous dermolysis of the newborn (TBDN). Also called: DYSTROPHIC EPIDERMOLYSIS BULLOSA, NEONATAL; EPIDERMOLYSIS BULLOSA DYSTROPHICA, NEONATAL FORM. Identifiers: Orphanet 79411, MedGen C1851573, MONDO:0007548, OMIM 131705.
Dominant dystrophic epidermolysis bullosa with absence of skin. Also called: EPIDERMOLYSIS BULLOSA WITH CONGENITAL LOCALIZED ABSENCE OF SKIN AND DEFORMITY OF NAILS; EPIDERMOLYSIS BULLOSA DYSTROPHICA, BART TYPE. Identifiers: MedGen C0268371, MONDO:0007557, OMIM 132000.
Epidermolysis bullosa dystrophica. Also called: Dystrophic epidermolysis bullosa, Hallopeau-Siemens type (formerly); Dystrophic epidermolysis bullosa. Identifiers: Orphanet 303, MedGen C0079294, MONDO:0006543.
Epidermolysis bullosa pruriginosa, autosomal recessive. Identifiers: MedGen C1853063.

Submissions (7):

Labcorp Genetics (formerly Invitae), Labcorp
Classification: Pathogenic. Last evaluated: 2025-09-10. Review status: criteria provided, single submitter. Criteria: Invitae Variant Classification Sherloc (09022015). Collection method: clinical testing. Allele origin: germline.
Comment: This sequence change creates a premature translational stop signal (p.Gly2596Valfs*35) in the COL7A1 gene. It is expected to result in an absent or disrupted protein product. Loss-of-function variants in COL7A1 are known to be pathogenic (PMID: 16971478). This variant is present in population databases (rs759990189, gnomAD 0.002%). This premature translational stop signal has been observed in individuals with autosomal recessive epidermolysis bullosa dystrophica (PMID: 9242516, 21448560). This variant is also known as 7786delG. ClinVar contains an entry for this variant (Variation ID: 17441). For these reasons, this variant has been classified as Pathogenic.

PreventionGenetics, part of Exact Sciences
Classification: Pathogenic for COL7A1-related condition. Last evaluated: 2024-11-24. Review status: criteria provided, single submitter. Criteria: ACMG Guidelines, 2015. Collection method: clinical testing. Allele origin: germline.
Comment: The COL7A1 c.7787delG variant is predicted to result in a frameshift and premature protein termination (p.Gly2596Valfs*35). This variant has been reported in the heterozygous or compound heterozygous state in individuals with epidermolysis bullosa (reported as 7786delG in Mellerio et al. 1997. PubMed ID: 9242516; Mellerio et al. 1999. PubMed ID: 10383749 and Whittock et al. 1999. PubMed ID: 10504458; reported as 7787delG in Appendix I, Varki et al. 2007. PubMed ID: 16971478). This variant is reported in 0.0018% of alleles in individuals of European (non-Finnish) descent in gnomAD. Frameshift variants in COL7A1 are expected to be pathogenic. This variant is interpreted as pathogenic.

Natera, Inc.
Classification: Pathogenic for Dystrophic epidermolysis bullosa. Last evaluated: 2024-03-06. Review status: criteria provided, single submitter. Criteria: Natera Variant Classification Schema (03/2026). Collection method: clinical testing. Allele origin: germline.
Comment: The c.7787delG variant in COL7A1 is a frameshift variant predicted to shift the reading frame beginning at codon 2596 and leads to a stop codon 35 codons downstream. This variant is expected to result in nonsense mediated decay, truncation, or a dysfunctional protein product. This variant is rare in the general population with a frequency below the threshold expected for the associated phenotype(s). This variant has been observed in one or more individuals affected with the associated recessive disease, as either homozygous or compound heterozygous with a second variant (PMID: 24213372, 25703736, 9284110, 9242516). Given the available evidence, this variant is classified as Pathogenic.

GeneDx
Classification: Pathogenic. Last evaluated: 2022-05-26. Review status: criteria provided, single submitter. Criteria: GeneDx Variant Classification Process June 2021. Collection method: clinical testing. Allele origin: germline. Affected: yes.
Comment: Frameshift variant predicted to result in protein truncation or nonsense mediated decay in a gene for which loss-of-function is a known mechanism of disease; Not observed at a significant frequency in large population cohorts (gnomAD); This variant is associated with the following publications: (PMID: 33021027, 29625052, 21448560, 22515571, 9242516, 24989707, 24213372)

Fulgent Genetics
Classification: Pathogenic for Transient bullous dermolysis of the newborn; Generalized dominant dystrophic epidermolysis bullosa; Pretibial dystrophic epidermolysis bullosa; Dominant dystrophic epidermolysis bullosa with absence of skin; Recessive dystrophic epidermolysis bullosa; Epidermolysis bullosa pruriginosa; Nonsyndromic congenital nail disorder 8. Last evaluated: 2021-07-11. Review status: criteria provided, single submitter. Criteria: ACMG Guidelines, 2015. Collection method: clinical testing. Allele origin: unknown.

Revvity Omics, Revvity
Classification: Pathogenic. Last evaluated: 2021-02-02. Review status: criteria provided, single submitter. Criteria: ACMG Guidelines, 2015. Collection method: clinical testing. Allele origin: germline.

OMIM
Classification: Pathogenic for EPIDERMOLYSIS BULLOSA PRURIGINOSA, AUTOSOMAL RECESSIVE. Last evaluated: 1999-06-01. Review status: no assertion criteria provided. Collection method: literature only. Allele origin: germline. Not counted in ClinVar's aggregate classification.

Literature cited by the submitters: PubMed 16971478 (cited by Labcorp Genetics (formerly Invitae), Labcorp); PubMed 9242516 (cited by Labcorp Genetics (formerly Invitae), Labcorp and Natera, Inc.); PubMed 21448560 (cited by Labcorp Genetics (formerly Invitae), Labcorp); PubMed 24213372 (cited by Natera, Inc.); PubMed 25703736 (cited by Natera, Inc.); PubMed 9284110 (cited by Natera, Inc.); PubMed 10383749 (cited by OMIM).